The following is an entry in ClinVar:

ClinVar aggregate classification (germline): Pathogenic/Likely pathogenic. Review status: criteria provided, multiple submitters, no conflicts (2 of 4 stars). 2 submissions from 2 submitters: Pathogenic (1); Likely pathogenic (1). Last evaluated 2026-10-01.

Conditions:
Inborn genetic diseases. Identifiers: MedGen C0950123, MeSH D030342.

Submissions (2):

GeneDx
Classification: Pathogenic. Last evaluated: 2026-10-01. Review status: criteria provided, single submitter. Criteria: GeneDx Variant Classification Process June 2021. Collection method: clinical testing. Allele origin: germline.
Comment: Not observed at significant frequency in large population cohorts (gnomAD); In silico analysis supports that this missense variant has a deleterious effect on protein structure/function; This variant is associated with the following publications: (PMID: 18466635, 25609763, 26100331, 25512093, 38848546, 37596007, 38953796)

Ambry Genetics
Classification: Likely pathogenic for Inborn genetic diseases. Last evaluated: 2017-04-17. Review status: criteria provided, single submitter. Criteria: Ambry exome assertion method (8-5-2015). Collection method: clinical testing. Allele origin: germline. Affected: yes. Observed: 1 variant allele.

Literature cited by the submitters: PubMed 18466635 (cited by Ambry Genetics).

NM_001376.5(DYNC1H1):c.6989G>A (p.Gly2330Glu)

Gene: DYNC1H1 (dynein cytoplasmic 1 heavy chain 1; plus strand). Cytogenetic location: 14q32.31.
Variant type: single nucleotide variant.
Coding change: c.6989G>A on transcript NM_001376.5 (MANE Select); coding-DNA position 6989, G replaced by A.
Protein change: p.Gly2330Glu; replaces glycine 2330 with glutamic acid.
Molecular consequence: missense variant.
Genome position (GRCh38, 1-based): chr14:102,012,445, G>A. VCF-style: chr14-102012445-G-A. GRCh37 (hg19) VCF-style: chr14-102478782-G-A.
Other names: short protein forms G2330E.
Identifiers: ClinVar variation 521709 (VCV000521709.6), dbSNP rs1555410010, ClinGen allele CA391059200.